The following is an entry in ClinVar:

NM_001389683.1(GOLGA3):c.4129G>A (p.Gly1377Ser)

Gene: GOLGA3 (golgin A3; minus strand). Cytogenetic location: 12q24.33.
Variant type: single nucleotide variant.
Coding change: c.4129G>A on transcript NM_001389683.1 (MANE Select); coding-DNA position 4129, G replaced by A.
Protein change: p.Gly1377Ser; replaces glycine 1377 with serine.
Molecular consequence: missense variant.
Genome position (GRCh38, 1-based): chr12:132,775,155, C>T on the plus strand (G>A on the coding strand, the complement: GOLGA3 is on the minus strand). VCF-style: chr12-132775155-C-T. GRCh37 (hg19) VCF-style: chr12-133351741-C-T.
Other names: c.4129G>A, p.Gly1377Ser (NM_001389684.1, NM_001389685.1, NM_005895.4); c.4009G>A, p.Gly1337Ser (NM_001389686.1, NM_001389687.1, NM_001389688.1); c.3856G>A, p.Gly1286Ser (NM_001389689.1); short protein forms G1286S, G1377S, G1337S.
Identifiers: ClinVar variation 3100762 (VCV003100762.2), dbSNP rs200127252, ClinGen allele CA246336573.

ClinVar aggregate classification (germline): Uncertain significance (1 of 4 stars; one submission).

Allele frequency attached by ClinVar (database versions not stated): gnomAD 0.00001; TOPMed 0.00001; gnomAD exomes 0.00001.
gnomAD v4.1: 20 of 1,613,544 alleles (0.0012%); highest among the groups gnomAD compares: Admixed American, 0.0017%; no homozygotes.

Submission:

Ambry Genetics
Classification: Uncertain significance. Last evaluated: 2026-05-14. Review status: criteria provided, single submitter. Criteria: Ambry Variant Classification Scheme 2023. Collection method: clinical testing. Allele origin: germline.
Comment: The c.4129G>A (p.G1377S) alteration is located in exon 22 (coding exon 21) of the GOLGA3 gene. This alteration results from a G to A substitution at nucleotide position 4129, causing the glycine (G) at amino acid position 1377 to be replaced by a serine (S). Based on data from gnomAD, the A allele has an overall frequency of 0.001% (2/250664) total alleles studied. The highest observed frequency was 0.003% (1/34552) of Latino alleles. Based on insufficient or conflicting evidence, the clinical significance of this alteration remains unclear.